The following is an entry in ClinVar:

NM_000939.4(POMC):c.573C>G (p.Pro191=)

Gene: POMC (proopiomelanocortin; minus strand). Cytogenetic location: 2p23.3.
Variant type: single nucleotide variant.
Coding change: c.573C>G on transcript NM_000939.4 (MANE Select); coding-DNA position 573, C replaced by G.
Protein change: p.Pro191=; no amino-acid change (proline 191 retained).
Molecular consequence: synonymous variant.
Genome position (GRCh38, 1-based): chr2:25,161,312, G>C on the plus strand (C>G on the coding strand, the complement: POMC is on the minus strand). VCF-style: chr2-25161312-G-C. GRCh37 (hg19) VCF-style: chr2-25384181-G-C.
Other names: c.573C>G, p.Pro191= (NM_001035256.3, NM_001319204.2, NM_001319205.2).
Identifiers: ClinVar variation 4980105 (VCV004980105.1).

ClinVar aggregate classification (germline): Likely benign (1 of 4 stars; one submission).

Conditions:
POMC-related disorder. Also called: POMC-related condition; POMC-related disorders.

gnomAD v4.1: 38 of 1,608,648 alleles (0.0024%); highest among the groups gnomAD compares: South Asian, 0.018%; no homozygotes.

Submission:

PreventionGenetics, part of Exact Sciences
Classification: Likely benign for POMC-related condition. Last evaluated: 2025-06-17. Review status: criteria provided, single submitter. Criteria: ACMG Guidelines, 2015. Collection method: clinical testing. Allele origin: germline.
Comment: This variant is classified as likely benign based on ACMG/AMP sequence variant interpretation guidelines (Richards et al. 2015 PMID: 25741868, with internal and published modifications).